The following is an entry in ClinVar:

ClinVar aggregate classification (germline): Uncertain significance (1 of 4 stars; one submission).

Submission:

Labcorp Genetics (formerly Invitae), Labcorp
Classification: Uncertain significance. Last evaluated: 2022-11-22. Review status: criteria provided, single submitter. Criteria: Invitae Variant Classification Sherloc (09022015). Collection method: clinical testing. Allele origin: germline.
Comment: This sequence change replaces proline, which is neutral and non-polar, with threonine, which is neutral and polar, at codon 867 of the ABCC6 protein (p.Pro867Thr). In summary, the available evidence is currently insufficient to determine the role of this variant in disease. Therefore, it has been classified as a Variant of Uncertain Significance. Advanced modeling of protein sequence and biophysical properties (such as structural, functional, and spatial information, amino acid conservation, physicochemical variation, residue mobility, and thermodynamic stability) performed at Invitae indicates that this missense variant is not expected to disrupt ABCC6 protein function. This variant has not been reported in the literature in individuals affected with ABCC6-related conditions. This variant is not present in population databases (gnomAD no frequency).

NM_001171.6(ABCC6):c.2599C>A (p.Pro867Thr)

Gene: ABCC6 (ATP binding cassette subfamily C member 6; minus strand). Cytogenetic location: 16p13.11.
Variant type: single nucleotide variant.
Coding change: c.2599C>A on transcript NM_001171.6 (MANE Select); coding-DNA position 2599, C replaced by A.
Protein change: p.Pro867Thr; replaces proline 867 with threonine.
Molecular consequence: missense variant. On other transcripts: non-coding transcript variant (1).
Genome position (GRCh38, 1-based): chr16:16,175,978, G>T on the plus strand (C>A on the coding strand, the complement: ABCC6 is on the minus strand). VCF-style: chr16-16175978-G-T. GRCh37 (hg19) VCF-style: chr16-16269835-G-T.
Other names: c.2257C>A, p.Pro753Thr (NM_001351800.1); short protein forms P867T, P753T.
Identifiers: ClinVar variation 2182551 (VCV002182551.2), dbSNP rs376512808, ClinGen allele CA394887082.
Genomic context (GRCh38, chr16:16,175,978, plus strand): 5'-GTCTAAGCTCGGGCCTCCTGCCTGCAGAGGTGCCTCTGGGGTCCTTGGTGCTGGTCCCAG[G>T]TTCTGTTTCTGCAAGGTCAAGAGAGTCCTGTCACGCAACACGGCCCAGATACCCACTTTG-3'
Protein context (NP_001162.5, residues 857-877): PGDRGEGETE[Pro867Thr]GTSTKDPRGT